The following is an entry in ClinVar:

ClinVar aggregate classification (germline): Uncertain significance. Review status: criteria provided, multiple submitters, no conflicts (2 of 4 stars). 2 submissions from 2 submitters: Uncertain significance (2). Last evaluated 2024-04-08.

Conditions:
Inborn genetic diseases. Identifiers: MedGen C0950123, MeSH D030342.

Allele frequency attached by ClinVar (database versions not stated): gnomAD exomes below 0.00001; gnomAD 0.00001.
gnomAD v4.1: 6 of 1,614,054 alleles (0.00037%); highest among the groups gnomAD compares: East Asian, 0.0045%; no homozygotes.

Submissions (2):

Ambry Genetics
Classification: Uncertain significance for Inborn genetic diseases. Last evaluated: 2024-04-08. Review status: criteria provided, single submitter. Criteria: Ambry Variant Classification Scheme 2023. Collection method: clinical testing. Allele origin: germline.

Labcorp Genetics (formerly Invitae), Labcorp
Classification: Uncertain significance. Last evaluated: 2021-09-17. Review status: criteria provided, single submitter. Criteria: Invitae Variant Classification Sherloc (09022015). Collection method: clinical testing. Allele origin: germline.
Comment: This sequence change replaces arginine with lysine at codon 2957 of the VPS13A protein (p.Arg2957Lys). The arginine residue is moderately conserved and there is a small physicochemical difference between arginine and lysine. This variant is not present in population databases (ExAC no frequency). This variant has not been reported in the literature in individuals with VPS13A-related conditions. Algorithms developed to predict the effect of missense changes on protein structure and function (SIFT, PolyPhen-2, Align-GVGD) all suggest that this variant is likely to be tolerated, but these predictions have not been confirmed by published functional studies and their clinical significance is uncertain. In summary, the available evidence is currently insufficient to determine the role of this variant in disease. Therefore, it has been classified as a Variant of Uncertain Significance.

NM_033305.3(VPS13A):c.8870G>A (p.Arg2957Lys)

Gene: VPS13A (vacuolar protein sorting 13 homolog A; plus strand). Cytogenetic location: 9q21.2.
Variant type: single nucleotide variant.
Coding change: c.8870G>A on transcript NM_033305.3 (MANE Select); coding-DNA position 8870, G replaced by A.
Protein change: p.Arg2957Lys; replaces arginine 2957 with lysine.
Molecular consequence: missense variant.
Genome position (GRCh38, 1-based): chr9:77,370,541, G>A. VCF-style: chr9-77370541-G-A. GRCh37 (hg19) VCF-style: chr9-79985457-G-A.
Other names: c.8753G>A, p.Arg2918Lys (NM_001018037.2); c.8870G>A, p.Arg2957Lys (NM_001018038.3, NM_015186.4); c.8870G>A (NM_033305.2); short protein forms R2957K, R2918K.
Identifiers: ClinVar variation 2173495 (VCV002173495.2), dbSNP rs1263626270, ClinGen allele CA373868019.